The following is an entry in ClinVar:

NC_000007.13:g.(?_145813969)_(146537016_?)del

Gene: CNTNAP2 (contactin associated protein 2; plus strand). Cytogenetic location: 7q35.
Variant type: Deletion.
Identifiers: ClinVar variation 1456387 (VCV001456387.7).

ClinVar aggregate classification (germline): Pathogenic (1 of 4 stars; one submission).

Conditions:
Cortical dysplasia-focal epilepsy syndrome (PTHSL1). Also called: Pitt-Hopkins-like syndrome 1. Identifiers: Orphanet 163681, Orphanet 221150, MedGen C2750246, MONDO:0012400, OMIM 610042.

Submission:

Labcorp Genetics (formerly Invitae), Labcorp
Classification: Pathogenic for Cortical dysplasia-focal epilepsy syndrome. Last evaluated: 2022-07-19. Review status: criteria provided, single submitter. Criteria: Invitae Variant Classification Sherloc (09022015). Collection method: clinical testing. Allele origin: germline.
Comment: For these reasons, this variant has been classified as Pathogenic. This variant has not been reported in the literature in individuals affected with CNTNAP2-related conditions. This variant is a gross deletion of the genomic region encompassing exon(s) 1-3 of the CNTNAP2 gene, which includes the initiator codon. This deletion extends beyond the assayed region for this gene and therefore may encompass additional genes. It is expected to result in an absent or disrupted protein product. Loss-of-function variants in CNTNAP2 are known to be pathogenic (PMID: 19896112, 21827697, 25045150, 26843181, 27439707).

Literature cited by the submitters: PubMed 19896112; PubMed 21827697; PubMed 25045150; PubMed 26843181; PubMed 27439707.